The following is an entry in ClinVar:

NM_003119.4(SPG7):c.1186G>T (p.Glu396Ter)

Gene: SPG7 (SPG7 matrix AAA peptidase subunit, paraplegin; plus strand). Cytogenetic location: 16q24.3.
Variant type: single nucleotide variant.
Coding change: c.1186G>T on transcript NM_003119.4 (MANE Select); coding-DNA position 1186, G replaced by T.
Protein change: p.Glu396Ter; replaces glutamic acid 396 with a stop codon.
Molecular consequence: nonsense.
Genome position (GRCh38, 1-based): chr16:89,532,498, G>T. VCF-style: chr16-89532498-G-T. GRCh37 (hg19) VCF-style: chr16-89598906-G-T.
Other names: c.1186G>T (NM_003119.3); c.1186G>T, p.Glu396Ter (NM_001363850.1, NM_199367.3); short protein forms E396*.
Identifiers: ClinVar variation 1029673 (VCV001029673.8), dbSNP rs2058358241, ClinGen allele CA397420734.
Genomic context (GRCh38, chr16:89,532,498, plus strand): 5'-CCTGATTCTCTCTGTGTCCCCTCAGGCCTCGGCGCTGCCCGTGTGCGGAGCCTCTTTAAG[G>T]AAGCCCGAGCCCGGGCCCCCTGCATCGTCTACATCGATGAGATCGACGCGGTGGGCAAGA-3'

ClinVar aggregate classification (germline): Pathogenic/Likely pathogenic. Review status: criteria provided, multiple submitters, no conflicts (2 of 4 stars). 4 submissions from 4 submitters: Pathogenic (1); Likely pathogenic (3). Last evaluated 2025-11-08.

Conditions:
SPG7-related disorder. Also called: SPG7-related condition.
Hereditary spastic paraplegia 7 (SPG7). Also called: Autosomal recessive spastic paraplegia type 7; Spastic paraplegia 7; Hereditary spastic paraplegia Paraplegin type; SPASTIC PARAPLEGIA 7, AUTOSOMAL RECESSIVE, WITH OR WITHOUT CEREBELLAR ATAXIA; SPG7-related neurologic disorder. Identifiers: Orphanet 99013, MedGen C1846564, MONDO:0011803, OMIM 607259.

Allele frequency attached by ClinVar (database versions not stated): gnomAD exomes below 0.00001.
gnomAD v4.1: 1 of 1,613,600 alleles (0.000062%); highest among the groups gnomAD compares: East Asian, 0.0022%; no homozygotes.

Submissions (4):

PreventionGenetics, part of Exact Sciences
Classification: Likely pathogenic for SPG7-related condition. Last evaluated: 2025-11-08. Review status: criteria provided, single submitter. Criteria: ACMG Guidelines, 2015. Collection method: clinical testing. Allele origin: germline.
Comment: The SPG7 c.1186G>T variant is predicted to result in premature protein termination (p.Glu396*). To our knowledge, this variant has not been reported in the literature or in a large population database (gnomAD), indicating this variant is rare. Nonsense variants in SPG7 are expected to be pathogenic. This variant is interpreted as likely pathogenic.

GeneDx
Classification: Likely pathogenic. Last evaluated: 2024-02-25. Review status: criteria provided, single submitter. Criteria: GeneDx Variant Classification Process June 2021. Collection method: clinical testing. Allele origin: germline. Affected: yes.
Comment: Nonsense variant predicted to result in protein truncation or nonsense mediated decay in a gene for which loss of function is a known mechanism of disease; Not observed at significant frequency in large population cohorts (gnomAD); Has not been previously published as pathogenic or benign to our knowledge

Revvity Omics, Revvity
Classification: Likely pathogenic for Hereditary spastic paraplegia 7. Last evaluated: 2022-01-21. Review status: criteria provided, single submitter. Criteria: ACMG Guidelines, 2015. Collection method: clinical testing. Allele origin: germline.

Baylor Genetics
Classification: Pathogenic for Hereditary spastic paraplegia 7. Last evaluated: 2020-06-03. Review status: criteria provided, single submitter. Criteria: ACMG Guidelines, 2015. Collection method: clinical testing. Allele origin: unknown. Affected: yes.
Comment: This variant was determined to be pathogenic according to ACMG Guidelines, 2015 [PMID:25741868].